The following is an entry in ClinVar:

ClinVar aggregate classification (germline): Uncertain significance (1 of 4 stars; one submission).

Conditions:
Hyperekplexia 3 (HKPX3). Also called: HYPEREKPLEXIA 3, AUTOSOMAL RECESSIVE; HYPEREKPLEXIA 3, AUTOSOMAL DOMINANT. Identifiers: Orphanet 3197, MedGen C3553288, MONDO:0013827, OMIM 614618.

Allele frequency attached by ClinVar (database versions not stated): ExAC 0.00001; gnomAD 0.00001; gnomAD exomes 0.00001 and 0.00002; TOPMed 0.00002.

Submission:

Labcorp Genetics (formerly Invitae), Labcorp
Classification: Uncertain significance for Hyperekplexia 3. Last evaluated: 2022-06-02. Review status: criteria provided, single submitter. Criteria: Invitae Variant Classification Sherloc (09022015). Collection method: clinical testing. Allele origin: germline.
Comment: This sequence change replaces alanine, which is neutral and non-polar, with threonine, which is neutral and polar, at codon 723 of the SLC6A5 protein (p.Ala723Thr). This variant is present in population databases (rs749000146, gnomAD 0.002%). This variant has not been reported in the literature in individuals affected with SLC6A5-related conditions. ClinVar contains an entry for this variant (Variation ID: 856746). Advanced modeling of protein sequence and biophysical properties (such as structural, functional, and spatial information, amino acid conservation, physicochemical variation, residue mobility, and thermodynamic stability) performed at Invitae indicates that this missense variant is not expected to disrupt SLC6A5 protein function. In summary, the available evidence is currently insufficient to determine the role of this variant in disease. Therefore, it has been classified as a Variant of Uncertain Significance.

NM_004211.5(SLC6A5):c.2167G>A (p.Ala723Thr)

Gene: SLC6A5 (solute carrier family 6 member 5; plus strand). Cytogenetic location: 11p15.1.
Variant type: single nucleotide variant.
Coding change: c.2167G>A on transcript NM_004211.5 (MANE Select); coding-DNA position 2167, G replaced by A.
Protein change: p.Ala723Thr; replaces alanine 723 with threonine.
Molecular consequence: missense variant.
Genome position (GRCh38, 1-based): chr11:20,652,385, G>A. VCF-style: chr11-20652385-G-A. GRCh37 (hg19) VCF-style: chr11-20673931-G-A.
Other names: c.1465G>A, p.Ala489Thr (NM_001318369.2); short protein forms A723T, A489T.
Identifiers: ClinVar variation 856746 (VCV000856746.6), dbSNP rs749000146, ClinGen allele CA5921710.